The following is an entry in ClinVar:

NM_000202.8(IDS):c.1142T>C (p.Leu381Pro)

Genes: IDS (iduronate 2-sulfatase; minus strand), LOC106050102 (IDS recombination region; plus strand). Cytogenetic location: Xq28.
Variant type: single nucleotide variant.
Coding change: c.1142T>C on transcript NM_000202.8 (MANE Select); coding-DNA position 1142, T replaced by C.
Protein change: p.Leu381Pro; replaces leucine 381 with proline.
Molecular consequence: missense variant.
Genome position (GRCh38, 1-based): chrX:149,486,963, A>G on the plus strand (T>C on the coding strand, the complement: IDS is on the minus strand). VCF-style: chrX-149486963-A-G. GRCh37 (hg19) VCF-style: chrX-148568494-A-G.
Other names: c.872T>C, p.Leu291Pro (NM_001166550.4); short protein forms L291P, L381P.
Identifiers: ClinVar variation 3255974 (VCV003255974.2).
Genomic context (GRCh38, chrX:149,486,963, plus strand): 5'-ATCATTTCAGCATATTTTATACCTGGCTCCATCAACTGTGAGGCGGAATCAAAAGGGTCG[A>G]GGTAAGGGAAAAGCTTCTCGCCTGCCTCCGGAAGTGAAGCCGTCCTTCCAGGAACATAGA-3'
Protein context (NP_000193.1, residues 371-391): PEAGEKLFPY[Leu381Pro]DPFDSASQLM

ClinVar aggregate classification (germline): Likely pathogenic (1 of 4 stars; one submission).

Conditions:
Mucopolysaccharidosis, MPS-II (MPS2). Also called: Hunter Syndrome; IDURONATE 2-SULFATASE DEFICIENCY; Mucopolysaccharidosis Type II; Mucopolysaccharidosis type 2; Attenuated MPS (subtype; formerly known as mild MPS II); Severe MPS II. Identifiers: Orphanet 580, Orphanet 79388, MedGen C0026705, MONDO:0010674, OMIM 309900.

Submission:

Laboratory of Diagnosis and Therapy of Lysosomal Disorders, University of Padova
Classification: Likely pathogenic for Mucopolysaccharidosis, MPS-II. Last evaluated: 2024-06-07. Review status: criteria provided, single submitter. Criteria: ACMG Guidelines, 2015. Collection method: literature only. Allele origin: germline. Affected: yes. Observed: 1 variant allele.
Comment: Absent from controls (or at low frequency) in gnomAD database (PM2_Moderate), Missense variant in a gene with a low rate of benign missense variation (PP2_Supporting), Patient’s phenotype or family history highly specific for the disease (PP4_Strong)

Classification method: ACMG Guidelines [PMID:25741868] with modifications

Literature cited by the submitters: PubMed 30639582.